The following is an entry in ClinVar:

NM_015072.5(TTLL5):c.3474A>C (p.Gln1158His)

Gene: TTLL5 (tubulin tyrosine ligase like 5; plus strand). Cytogenetic location: 14q24.3.
Variant type: single nucleotide variant.
Coding change: c.3474A>C on transcript NM_015072.5 (MANE Select); coding-DNA position 3474, A replaced by C.
Protein change: p.Gln1158His; replaces glutamine 1158 with histidine.
Molecular consequence: missense variant.
Genome position (GRCh38, 1-based): chr14:75,863,814, A>C. VCF-style: chr14-75863814-A-C. GRCh37 (hg19) VCF-style: chr14-76330157-A-C.
Other names: short protein forms Q1158H.
Identifiers: ClinVar variation 1387728 (VCV001387728.6), dbSNP rs2139945684, ClinGen allele CA390539852.

ClinVar aggregate classification (germline): Uncertain significance (1 of 4 stars; one submission).

Submission:

Labcorp Genetics (formerly Invitae), Labcorp
Classification: Uncertain significance. Last evaluated: 2022-07-05. Review status: criteria provided, single submitter. Criteria: Invitae Variant Classification Sherloc (09022015). Collection method: clinical testing. Allele origin: germline.
Comment: Algorithms developed to predict the effect of missense changes on protein structure and function are either unavailable or do not agree on the potential impact of this missense change (SIFT: "Deleterious"; PolyPhen-2: "Probably Damaging"; Align-GVGD: "Class C0"). ClinVar contains an entry for this variant (Variation ID: 1387728). This variant has not been reported in the literature in individuals affected with TTLL5-related conditions. This variant is not present in population databases (gnomAD no frequency). This sequence change replaces glutamine, which is neutral and polar, with histidine, which is basic and polar, at codon 1158 of the TTLL5 protein (p.Gln1158His). In summary, the available evidence is currently insufficient to determine the role of this variant in disease. Therefore, it has been classified as a Variant of Uncertain Significance.